The following is an entry in ClinVar:

NM_194323.3(OTOF):c.3631A>G (p.Met1211Val)

Gene: OTOF (otoferlin; minus strand). Cytogenetic location: 2p23.3.
Variant type: single nucleotide variant.
Coding change: c.3631A>G on transcript NM_194323.3 (MANE Plus Clinical); coding-DNA position 3631, A replaced by G.
Protein change: p.Met1211Val; replaces methionine 1211 with valine.
Molecular consequence: missense variant. On other transcripts: 3 prime UTR variant (3).
Genome position (GRCh38, 1-based): chr2:26,458,102, T>C on the plus strand (A>G on the coding strand, the complement: OTOF is on the minus strand). VCF-style: chr2-26458102-T-C. GRCh37 (hg19) VCF-style: chr2-26680970-T-C.
Other names: c.5932A>G, p.Met1978Val (NM_001287489.2); c.*136A>G (NM_004802.4, NM_194248.3, NM_194322.3); short protein forms M1211V, M1978V.
Identifiers: ClinVar variation 505847 (VCV000505847.5), dbSNP rs1482726409, ClinGen allele CA346125251.
Genomic context (GRCh38, chr2:26,458,102, plus strand): 5'-ATGCCCCAAGGAGCTTTTTGACCATGTAGCCAGGGAGGCTGTAGAGGAAGAGCCCCAACA[T>C]GAGCAGCCCCAACAGCGCCAGCACGATCTTGATGATGAGCCACTTGTACCGGGTGCAGAT-3'
Protein context (NP_919304.1, residues 1201-1221): KIVLALLGLL[Met1211Val]LGLFLYSLPG

ClinVar aggregate classification (germline): Uncertain significance (1 of 4 stars; one submission).

Allele frequency attached by ClinVar (database versions not stated): gnomAD exomes below 0.00001.
gnomAD v4.1: 1 of 1,614,106 alleles (0.000062%); highest among the groups gnomAD compares: Non-Finnish European, 0.000085%; no homozygotes.

Submission:

Laboratory for Molecular Medicine, Mass General Brigham Personalized Medicine
Classification: Uncertain significance. Last evaluated: 2017-05-31. Review status: criteria provided, single submitter. Criteria: LMM Criteria. Collection method: clinical testing. Allele origin: germline. Observed: 1 variant allele.
Comment: The p.Met1211Val variant in OTOF has not been previously reported in individuals with hearing loss, but has been identified in 1/111650 European chromosomes by the Genome Aggregation Database (gnomAD). Alth ough this variant has been seen in the general population, its frequency is not high enough to rule out a pathogenic role. Computational prediction tools and co nservation analyses do not provide strong support for or against an impact to th e protein. In summary, the clinical significance of this variant is uncertain.